The following is an entry in ClinVar:

NC_012920.1(MT-ND3):m.10266G>A

Gene: MT-ND3 (mitochondrially encoded NADH dehydrogenase 3; plus strand).
Variant type: single nucleotide variant.
Genome position: chrM-10266-G-A.
Identifiers: ClinVar variation 693275 (VCV000693275.1), dbSNP rs1603222746, ClinGen allele CA414804753.

ClinVar aggregate classification (germline): Uncertain significance (1 of 4 stars; one submission).

Conditions:
Leigh syndrome (NULS). Also called: Leigh's necrotizing encephalopathy; Leigh's disease; Leigh Syndrome (mtDNA deletion); Leigh Disease; Subacute necrotizing encephalopathy; Necrotizing encephalopathy infantile subacute of Leigh. Identifiers: Orphanet 506, MedGen C2931891, MONDO:0009723, OMIM 256000.

Submission:

Wong Mito Lab, Molecular and Human Genetics, Baylor College of Medicine
Classification: Uncertain significance for Leigh syndrome. Last evaluated: 2019-10-17. Review status: criteria provided, single submitter. Criteria: Modified ACMG Guidelines (Unpublished). Collection method: clinical testing. Allele origin: germline.
Comment: The NC_012920.1:m.10266G>A (YP_003024033.1:p.Ala70Thr) variant in MTND3 gene is interpretated to be a Uncertain Significance variant based on the modified ACMG guidelines (unpublished). This variant meets the following evidence codes: PP7